The following is an entry in ClinVar:

NM_006231.4(POLE):c.1740C>T (p.His580=)

Gene: POLE (DNA polymerase epsilon, catalytic subunit; minus strand). Cytogenetic location: 12q24.33.
Variant type: single nucleotide variant.
Coding change: c.1740C>T on transcript NM_006231.4 (MANE Select); coding-DNA position 1740, C replaced by T.
Protein change: p.His580=; no amino-acid change (histidine 580 retained).
Molecular consequence: synonymous variant.
Genome position (GRCh38, 1-based): chr12:132,672,269, G>A on the plus strand (C>T on the coding strand, the complement: POLE is on the minus strand). VCF-style: chr12-132672269-G-A. GRCh37 (hg19) VCF-style: chr12-133248855-G-A.
Identifiers: ClinVar variation 386271 (VCV000386271.51), dbSNP rs114972594, ClinGen allele CA6893844.

ClinVar aggregate classification (germline): Conflicting classifications of pathogenicity. Review status: criteria provided, conflicting classifications (1 of 4 stars). 10 submissions from 10 submitters: Uncertain significance (1); Benign (2); Likely benign (6). 1 of the submissions does not count toward it. Last evaluated 2026-01-18.

Conditions:
Polymerase proofreading-related adenomatous polyposis. Also called: Polymerase proofreading associated polyposis; Polymerase proofreading–associated polyposis (PPAP). Identifiers: Orphanet 447877, MedGen C5202613, MONDO:0018653.
Familial colorectal cancer type X. Identifiers: Orphanet 440437, MedGen C3896578, MONDO:0018604.
Hereditary cancer-predisposing syndrome. Also called: Neoplastic Syndromes, Hereditary; Hereditary neoplastic syndrome; Tumor predisposition; Hereditary Cancer Syndrome. Identifiers: Orphanet 140162, MedGen C0027672, MeSH D009386, MONDO:0015356.
POLE-related disorder. Also called: POLE-related condition; POLE-related disorders.

Allele frequency attached by ClinVar (database versions not stated): gnomAD exomes 0.00007 and 0.00023; gnomAD 0.00014 and 0.00015; 1000 Genomes Project 30x 0.00016; TOPMed 0.00017; 1000 Genomes Project 0.00020; ExAC 0.00023.

Submissions (10):

Labcorp Genetics (formerly Invitae), Labcorp
Classification: Benign. Last evaluated: 2026-01-18. Review status: criteria provided, single submitter. Criteria: Invitae Variant Classification Sherloc (09022015). Collection method: clinical testing. Allele origin: germline.

Center for Genomic Medicine, Rigshospitalet, Copenhagen University Hospital
Classification: Likely benign. Last evaluated: 2025-03-04. Review status: criteria provided, single submitter. Criteria: ACMG Guidelines, 2015. Collection method: clinical testing. Allele origin: germline.

Blueprint Genetics
Classification: Likely benign. Last evaluated: 2024-05-30. Review status: criteria provided, single submitter. Criteria: ACMG Guidelines, 2015. Collection method: clinical testing. Allele origin: germline.

CeGaT Center for Human Genetics Tuebingen
Classification: Likely benign. Last evaluated: 2023-12-01. Review status: criteria provided, single submitter. Criteria: CeGaT Center For Human Genetics Tuebingen Variant Classification Criteria Version 2. Collection method: clinical testing. Allele origin: germline. Affected: yes. Observed: 1 variant allele.
Comment: POLE: BP4, BP7

Department of Pathology and Laboratory Medicine, Sinai Health System
Classification: Uncertain significance for Polymerase proofreading-related adenomatous polyposis; Familial colorectal cancer type X. Last evaluated: 2023-11-21. Review status: criteria provided, single submitter. Criteria: ACMG Guidelines, 2015. Collection method: clinical testing. Allele origin: germline. Affected: yes.

GeneDx
Classification: Likely benign. Last evaluated: 2021-05-19. Review status: criteria provided, single submitter. Criteria: GeneDx Variant Classification Process June 2021. Collection method: clinical testing. Allele origin: germline. Affected: yes.

Sema4
Classification: Benign for Hereditary cancer-predisposing syndrome. Last evaluated: 2020-08-25. Review status: criteria provided, single submitter. Criteria: Sema4 Curation Guidelines. Collection method: curation. Allele origin: germline.

Quest Diagnostics Nichols Institute San Juan Capistrano
Classification: Likely benign. Last evaluated: 2017-05-19. Review status: criteria provided, single submitter. Criteria: Quest Diagnostics criteria. Collection method: clinical testing. Allele origin: germline.

Ambry Genetics
Classification: Likely benign for Hereditary cancer-predisposing syndrome. Last evaluated: 2015-06-19. Review status: criteria provided, single submitter. Criteria: Ambry Variant Classification Scheme 2023. Collection method: clinical testing. Allele origin: germline.

PreventionGenetics, part of Exact Sciences
Classification: Likely benign for POLE-related condition. Last evaluated: 2019-10-16. Review status: no assertion criteria provided. Collection method: clinical testing. Allele origin: germline. Not counted in ClinVar's aggregate classification.
Comment: This variant is classified as likely benign based on ACMG/AMP sequence variant interpretation guidelines (Richards et al. 2015 PMID: 25741868, with internal and published modifications).